The following is an entry in ClinVar:

ClinVar aggregate classification (germline): Uncertain significance (1 of 4 stars; one submission).

Submission:

Dasa
Classification: Uncertain significance. Last evaluated: 2026-04-09. Review status: criteria provided, single submitter. Criteria: DASA Assertion Criteria. Collection method: clinical testing. Allele origin: germline.
Comment: NM_001394372.1(BICRA):c.1318C>A (p.Pro440Thr) is a missense variant that results in the substitution of proline with threonine. This variant is rare in population databases. Computational prediction algorithms are consistent with a benign effect. The currently available literature and clinical evidence are not sufficient to establish a definitive association between this variant and the reported condition. Therefore, this variant is classified as a variant of uncertain significance.

NM_001394372.1(BICRA):c.1318C>A (p.Pro440Thr)

Gene: BICRA (BRD4 interacting chromatin remodeling complex associated protein; plus strand). Cytogenetic location: 19q13.33.
Variant type: single nucleotide variant.
Coding change: c.1318C>A on transcript NM_001394372.1 (MANE Select); coding-DNA position 1318, C replaced by A.
Protein change: p.Pro440Thr; replaces proline 440 with threonine.
Molecular consequence: missense variant.
Genome position (GRCh38, 1-based): chr19:47,680,488, C>A. VCF-style: chr19-47680488-C-A. GRCh37 (hg19) VCF-style: chr19-48183745-C-A.
Other names: c.1318C>A, p.Pro440Thr (NM_015711.3); short protein forms P440T.
Identifiers: ClinVar variation 4883669 (VCV004883669.2).